The following is an entry in ClinVar:

ClinVar aggregate classification (germline): Uncertain significance (1 of 4 stars; one submission).

Conditions:
Alstrom syndrome (ALMS). Identifiers: Orphanet 64, MedGen C0268425, MONDO:0008763, OMIM 203800.

Allele frequency attached by ClinVar (database versions not stated): gnomAD exomes below 0.00001; TOPMed below 0.00001; ExAC 0.00001.
gnomAD v4.1: 3 of 1,613,216 alleles (0.00019%); highest among the groups gnomAD compares: Admixed American, 0.0017%; no homozygotes.

Submission:

Labcorp Genetics (formerly Invitae), Labcorp
Classification: Uncertain significance for Alstrom syndrome. Last evaluated: 2022-01-18. Review status: criteria provided, single submitter. Criteria: Invitae Variant Classification Sherloc (09022015). Collection method: clinical testing. Allele origin: germline.
Comment: This sequence change replaces isoleucine, which is neutral and non-polar, with valine, which is neutral and non-polar, at codon 3461 of the ALMS1 protein (p.Ile3461Val). This variant is present in population databases (rs760743195, gnomAD 0.003%). This variant has not been reported in the literature in individuals affected with ALMS1-related conditions. Experimental studies and prediction algorithms are not available or were not evaluated, and the functional significance of this variant is currently unknown. In summary, the available evidence is currently insufficient to determine the role of this variant in disease. Therefore, it has been classified as a Variant of Uncertain Significance.

NM_001378454.1(ALMS1):c.10378A>G (p.Ile3460Val)

Gene: ALMS1 (ALMS1 centrosome and basal body associated protein; plus strand). Cytogenetic location: 2p13.1.
Variant type: single nucleotide variant.
Coding change: c.10378A>G on transcript NM_001378454.1 (MANE Select); coding-DNA position 10378, A replaced by G.
Protein change: p.Ile3460Val; replaces isoleucine 3460 with valine.
Molecular consequence: missense variant.
Genome position (GRCh38, 1-based): chr2:73,559,136, A>G. VCF-style: chr2-73559136-A-G. GRCh37 (hg19) VCF-style: chr2-73786263-A-G.
Other names: c.10381A>G, p.Ile3461Val (NM_015120.4); short protein forms I3461V, I3460V.
Identifiers: ClinVar variation 1970328 (VCV001970328.2), dbSNP rs760743195, ClinGen allele CA1714975.
Genomic context (GRCh38, chr2:73,559,136, plus strand): 5'-AGGAAGAAGACAGTTCCCGAGGAAGCCTGGCCAAACAATAAAGAATCCCTACAGATCAAT[A>G]TTGAAGGTAATGGGATTGGGTTGTGTATGAGTGTGTGTGTCTTTGTGTGTATGTGAGGGT-3'
Protein context (NP_001365383.1, residues 3450-3470): PNNKESLQIN[Ile3460Val]EESECHSEFE